The following is an entry in ClinVar:

ClinVar aggregate classification (germline): Likely pathogenic (1 of 4 stars; one submission).

Conditions:
Spermatogenic failure 78. Identifiers: MedGen C5774276, MONDO:0859338, OMIM 620170.

gnomAD v4.1: 7 of 1,606,254 alleles (0.00044%); highest among the groups gnomAD compares: Non-Finnish European, 0.00059%; no homozygotes.

Submission:

First Genomix Gene Laboratory, Genetic Diagnostics Department
Classification: Likely pathogenic for Spermatogenic failure 78. Last evaluated: 2025-01-22. Review status: criteria provided, single submitter. Criteria: ACMG Guidelines, 2015. Collection method: clinical testing. Allele origin: germline. Inheritance: Autosomal recessive inheritance. Affected: no. Observed: 1 variant allele.

NM_001145304.2(IQCN):c.2547G>A (p.Trp849Ter)

Gene: IQCN (IQ motif containing N; minus strand). Cytogenetic location: 19p13.11.
Variant type: single nucleotide variant.
Coding change: c.2547G>A on transcript NM_001145304.2 (MANE Select); coding-DNA position 2547, G replaced by A.
Protein change: p.Trp849Ter; replaces tryptophan 849 with a stop codon.
Molecular consequence: nonsense.
Genome position (GRCh38, 1-based): chr19:18,264,993, C>T on the plus strand (G>A on the coding strand, the complement: IQCN is on the minus strand). VCF-style: chr19-18264993-C-T. GRCh37 (hg19) VCF-style: chr19-18375803-C-T.
Other names: c.2409G>A, p.Trp803Ter (NM_001145305.2); c.2547G>A, p.Trp849Ter (NM_025249.4); short protein forms W803*, W849*.
Identifiers: ClinVar variation 4845724 (VCV004845724.1).
Genomic context (GRCh38, chr19:18,264,993, plus strand): 5'-CTGGCAGGGCACCGCCTGGCCGGGCATTGATGGCTGGGCACGTGTGGCTCCGTTGTCTCC[C>T]CAGGACTCAACGTTGCATGTGGAATGGCCGGTGGGTGCCATCGGCGGCACCAGCATACCC-3'